The following is an entry in ClinVar:

NM_015909.4(NBAS):c.1667T>C (p.Val556Ala)

Gene: NBAS (NBAS subunit of NRZ tethering complex; minus strand). Cytogenetic location: 2p24.3.
Variant type: single nucleotide variant.
Coding change: c.1667T>C on transcript NM_015909.4 (MANE Select); coding-DNA position 1667, T replaced by C.
Protein change: p.Val556Ala; replaces valine 556 with alanine.
Molecular consequence: missense variant. On other transcripts: non-coding transcript variant (1).
Genome position (GRCh38, 1-based): chr2:15,473,280, A>G on the plus strand (T>C on the coding strand, the complement: NBAS is on the minus strand). VCF-style: chr2-15473280-A-G. GRCh37 (hg19) VCF-style: chr2-15613404-A-G.
Other names: short protein forms V556A.
Identifiers: ClinVar variation 1383638 (VCV001383638.6), dbSNP rs755225158, ClinGen allele CA42627663.
Genomic context (GRCh38, chr2:15,473,280, plus strand): 5'-ACCAAATAATTCTGAATTGAAGCAACGTTGACCGCTGACTTCCTCCACTGCCTCTGATAT[A>G]CAAGGTCAGTATCCAGGCCGTAGGTATGAGCCAAGGACAAGGCTTCCTCATACTCTTCAC-3'
Protein context (NP_056993.2, residues 546-566): AHTYGLDTDL[Val556Ala]YQRQWRKSAV

ClinVar aggregate classification (germline): Uncertain significance (1 of 4 stars; one submission).

Allele frequency attached by ClinVar (database versions not stated): gnomAD exomes below 0.00001 and 0.00003; gnomAD 0.00001; TOPMed 0.00001.
gnomAD v4.1: 45 of 1,613,986 alleles (0.0028%); highest among the groups gnomAD compares: Non-Finnish European, 0.0038%; no homozygotes.

Submission:

Labcorp Genetics (formerly Invitae), Labcorp
Classification: Uncertain significance. Last evaluated: 2023-11-27. Review status: criteria provided, single submitter. Criteria: Invitae Variant Classification Sherloc (09022015). Collection method: clinical testing. Allele origin: germline.
Comment: This sequence change replaces valine, which is neutral and non-polar, with alanine, which is neutral and non-polar, at codon 556 of the NBAS protein (p.Val556Ala). This variant is present in population databases (rs755225158, gnomAD 0.0009%). This variant has not been reported in the literature in individuals affected with NBAS-related conditions. ClinVar contains an entry for this variant (Variation ID: 1383638). Advanced modeling of protein sequence and biophysical properties (such as structural, functional, and spatial information, amino acid conservation, physicochemical variation, residue mobility, and thermodynamic stability) performed at Invitae indicates that this missense variant is not expected to disrupt NBAS protein function with a negative predictive value of 80%. In summary, the available evidence is currently insufficient to determine the role of this variant in disease. Therefore, it has been classified as a Variant of Uncertain Significance.